The following is an entry in ClinVar:

NM_016239.4(MYO15A):c.6957-1G>C

Gene: MYO15A (myosin XVA; plus strand). Cytogenetic location: 17p11.2.
Variant type: single nucleotide variant.
Coding change: c.6957-1G>C on transcript NM_016239.4 (MANE Select); the canonical splice acceptor site of the intron before coding-DNA position 6957, G replaced by C.
Molecular consequence: splice acceptor variant.
Genome position (GRCh38, 1-based): chr17:18,149,215, G>C. VCF-style: chr17-18149215-G-C. GRCh37 (hg19) VCF-style: chr17-18052529-G-C.
Identifiers: ClinVar variation 3601291 (VCV003601291.1).

ClinVar aggregate classification (germline): Likely pathogenic (1 of 4 stars; one submission).

Conditions:
Autosomal recessive nonsyndromic hearing loss 3. Also called: NEUROSENSORY NONSYNDROMIC RECESSIVE DEAFNESS 3. Identifiers: Orphanet 90636, MedGen C1838263, MONDO:0010860, OMIM 600316.

Submission:

Institute of Rare Diseases, West China Hospital, Sichuan University
Classification: Likely pathogenic for Autosomal recessive nonsyndromic hearing loss 3. Last evaluated: 2025-01-09. Review status: criteria provided, single submitter. Criteria: ClinGen HL ACMG Specifications v1. Collection method: research. Allele origin: germline. Affected: yes.
Comment: PVS1;PM2_Supporting